The following is an entry in ClinVar:

NM_000455.5(STK11):c.1146G>T (p.Gln382His)

Gene: STK11 (serine/threonine kinase 11; plus strand). Cytogenetic location: 19p13.3.
Variant type: single nucleotide variant.
Coding change: c.1146G>T on transcript NM_000455.5 (MANE Select); coding-DNA position 1146, G replaced by T.
Protein change: p.Gln382His; replaces glutamine 382 with histidine.
Molecular consequence: missense variant. On other transcripts: non-coding transcript variant (1).
Genome position (GRCh38, 1-based): chr19:1,226,491, G>T. VCF-style: chr19-1226491-G-T. GRCh37 (hg19) VCF-style: chr19-1226490-G-T.
Other names: short protein forms Q382H.
Identifiers: ClinVar variation 4176621 (VCV004176621.3).

ClinVar aggregate classification (germline): Conflicting classifications of pathogenicity. Review status: criteria provided, conflicting classifications (1 of 4 stars). 2 submissions from 2 submitters: Uncertain significance (1); Likely benign (1). Last evaluated 2026-09-11.

Conditions:
Hereditary cancer-predisposing syndrome. Also called: Neoplastic Syndromes, Hereditary; Tumor predisposition; Hereditary Cancer Syndrome; Hereditary neoplastic syndrome. Identifiers: Orphanet 140162, MedGen C0027672, MeSH D009386, MONDO:0015356.

Submissions (2):

Ambry Genetics
Classification: Likely benign for Hereditary cancer-predisposing syndrome. Last evaluated: 2026-09-11. Review status: criteria provided, single submitter. Criteria: Ambry Variant Classification Scheme 2023. Collection method: clinical testing. Allele origin: germline.

Color Diagnostics, LLC DBA Color Health
Classification: Uncertain significance for Hereditary cancer-predisposing syndrome. Last evaluated: 2025-07-28. Review status: criteria provided, single submitter. Criteria: ACMG Guidelines, 2015. Collection method: clinical testing. Allele origin: germline.
Comment: This missense variant replaces glutamine with histidine at codon 382 of the STK11 protein. Computational prediction suggests that this variant may not impact protein structure and function. To our knowledge, functional studies have not been reported for this variant. This variant has not been reported in individuals affected with STK11-related disorders in the literature. This variant has not been identified in the general population by the Genome Aggregation Database (gnomAD). The available evidence is insufficient to determine the role of this variant in disease conclusively. Therefore, this variant is classified as a Variant of Uncertain Significance.